The following is an entry in ClinVar:

ClinVar aggregate classification (germline): Conflicting classifications of pathogenicity. Review status: criteria provided, conflicting classifications (1 of 4 stars). 2 submissions from 2 submitters: Uncertain significance (1); Benign (1). Last evaluated 2025-07-21.

Conditions:
Hereditary cancer-predisposing syndrome. Also called: Neoplastic Syndromes, Hereditary; Hereditary Cancer Syndrome; Hereditary neoplastic syndrome; Tumor predisposition. Identifiers: Orphanet 140162, MedGen C0027672, MeSH D009386, MONDO:0015356.
Gastrointestinal stromal tumor. Also called: Gastrointestinal stromal tumor, somatic; Gastrointestinal stroma tumor. Identifiers: Orphanet 44890, MedGen C0238198, MeSH D046152, MONDO:0011719, OMIM 606764, HP:0100723.

Allele frequency attached by ClinVar (database versions not stated): gnomAD below 0.00001 and 0.00001; gnomAD exomes 0.00001 and 0.00002; ExAC 0.00003.
gnomAD v4.1: 18 of 1,613,972 alleles (0.0011%); highest among the groups gnomAD compares: South Asian, 0.019%; no homozygotes.

Submissions (2):

Labcorp Genetics (formerly Invitae), Labcorp
Classification: Uncertain significance for Gastrointestinal stromal tumor. Last evaluated: 2025-07-21. Review status: criteria provided, single submitter. Criteria: Invitae Variant Classification Sherloc (09022015). Collection method: clinical testing. Allele origin: germline.
Comment: This sequence change replaces asparagine, which is neutral and polar, with aspartic acid, which is acidic and polar, at codon 711 of the PDGFRA protein (p.Asn711Asp). This variant is present in population databases (rs756055115, gnomAD 0.01%). This variant has not been reported in the literature in individuals affected with PDGFRA-related conditions. ClinVar contains an entry for this variant (Variation ID: 407391). An algorithm developed to predict the effect of missense changes on protein structure and function (PolyPhen-2) suggests that this variant is likely to be tolerated. In summary, the available evidence is currently insufficient to determine the role of this variant in disease. Therefore, it has been classified as a Variant of Uncertain Significance.

Ambry Genetics
Classification: Benign for Hereditary cancer-predisposing syndrome. Last evaluated: 2024-10-28. Review status: criteria provided, single submitter. Criteria: Ambry Variant Classification Scheme 2023. Collection method: clinical testing. Allele origin: germline.

NM_006206.6(PDGFRA):c.2131A>G (p.Asn711Asp)

Gene: PDGFRA (platelet derived growth factor receptor alpha; plus strand). Cytogenetic location: 4q12.
Variant type: single nucleotide variant.
Coding change: c.2131A>G on transcript NM_006206.6 (MANE Select); coding-DNA position 2131, A replaced by G.
Protein change: p.Asn711Asp; replaces asparagine 711 with aspartic acid.
Molecular consequence: missense variant.
Genome position (GRCh38, 1-based): chr4:54,278,490, A>G. VCF-style: chr4-54278490-A-G. GRCh37 (hg19) VCF-style: chr4-55144657-A-G.
Other names: c.2131A>G, p.Asn711Asp (NM_001347827.2, NM_001347829.2); c.2206A>G, p.Asn736Asp (NM_001347828.2); c.2170A>G, p.Asn724Asp (NM_001347830.2); short protein forms N711D, N736D, N724D.
Identifiers: ClinVar variation 407391 (VCV000407391.8), dbSNP rs756055115, ClinGen allele CA2922751.